The following is an entry in ClinVar:

ClinVar aggregate classification (germline): Uncertain significance. Review status: criteria provided, multiple submitters, no conflicts (2 of 4 stars). 2 submissions from 2 submitters: Uncertain significance (2). Last evaluated 2025-11-10.

Conditions:
Mitochondrial DNA depletion syndrome 9 (MTDPS9). Also called: SUCLG1-Related Mitochondrial DNA Depletion Syndrome, Encephalomyopathic Form with Methylmalonic Aciduria. Identifiers: Orphanet 17, MedGen C3151476, MONDO:0009504, OMIM 245400.

Allele frequency attached by ClinVar (database versions not stated): gnomAD exomes 0.00001 and 0.00002; ExAC 0.00002; TOPMed 0.00004.
gnomAD v4.1: 8 of 1,614,160 alleles (0.0005%); highest among the groups gnomAD compares: Admixed American, 0.013%; no homozygotes.

Submissions (2):

Labcorp Genetics (formerly Invitae), Labcorp
Classification: Uncertain significance for Mitochondrial DNA depletion syndrome 9. Last evaluated: 2025-11-10. Review status: criteria provided, single submitter. Criteria: Invitae Variant Classification Sherloc (09022015). Collection method: clinical testing. Allele origin: germline.
Comment: This sequence change replaces tyrosine, which is neutral and polar, with cysteine, which is neutral and slightly polar, at codon 337 of the SUCLG1 protein (p.Tyr337Cys). This variant is present in population databases (rs767950611, gnomAD 0.02%). This variant has not been reported in the literature in individuals affected with SUCLG1-related conditions. ClinVar contains an entry for this variant (Variation ID: 203977). Invitae Evidence Modeling of protein sequence and biophysical properties (such as structural, functional, and spatial information, amino acid conservation, physicochemical variation, residue mobility, and thermodynamic stability) has been performed for this missense variant. However, the output from this modeling did not meet the statistical confidence thresholds required to predict the impact of this variant on SUCLG1 protein function. In summary, the available evidence is currently insufficient to determine the role of this variant in disease. Therefore, it has been classified as a Variant of Uncertain Significance.

GeneDx
Classification: Uncertain significance. Last evaluated: 2013-08-12. Review status: criteria provided, single submitter. Criteria: GeneDx Variant Classification (06012015). Collection method: clinical testing. Allele origin: germline. Affected: yes.
Comment: p.Tyr337Cys (TAC>TGC): c.1010 A>G in exon 8 of the SUCLG1 gene (NM_003849.3) A variant of unknown significance has been identified in the SUCLG1 gene. The Y337C missense substitution has not been published as a mutation, nor has it been reported as a benign polymorphism to our knowledge. Y337C is a semi-conservative change in that both Tyrosine and Cysteine are uncharged, polar residues; however, the introduction of a Cysteine residue may impact disulfide bonding and the secondary structure of the SUCLG1 protein. This change occurs at a position in the SUCLG1 protein that is not well conserved. In-silico analyses are not consistent in their predictions of whether or not Y337C is damaging to the SUCLG1 protein. Therefore, based on the currently available information, it is unclear whether Y337C is a disease-causing mutation or a rare benign variant. The variant is found in MITONUC-MITOP panel(s).

NM_003849.4(SUCLG1):c.1010A>G (p.Tyr337Cys)

Gene: SUCLG1 (succinate-CoA ligase GDP/ADP-forming subunit alpha; minus strand). Cytogenetic location: 2p11.2.
Variant type: single nucleotide variant.
Coding change: c.1010A>G on transcript NM_003849.4 (MANE Select); coding-DNA position 1010, A replaced by G.
Protein change: p.Tyr337Cys; replaces tyrosine 337 with cysteine.
Molecular consequence: missense variant.
Genome position (GRCh38, 1-based): chr2:84,425,419, T>C on the plus strand (A>G on the coding strand, the complement: SUCLG1 is on the minus strand). VCF-style: chr2-84425419-T-C. GRCh37 (hg19) VCF-style: chr2-84652543-T-C.
Other names: p.Y337C:TAC>TGC; short protein forms Y337C.
Identifiers: ClinVar variation 203977 (VCV000203977.9), dbSNP rs767950611, ClinGen allele CA313062.